The following is an entry in ClinVar:

NM_004656.4(BAP1):c.808C>G (p.Leu270Val)

Gene: BAP1 (BRCA1 associated deubiquitinase 1; minus strand). Cytogenetic location: 3p21.1.
Variant type: single nucleotide variant.
Coding change: c.808C>G on transcript NM_004656.4 (MANE Select); coding-DNA position 808, C replaced by G.
Protein change: p.Leu270Val; replaces leucine 270 with valine.
Molecular consequence: missense variant.
Genome position (GRCh38, 1-based): chr3:52,405,888, G>C on the plus strand (C>G on the coding strand, the complement: BAP1 is on the minus strand). VCF-style: chr3-52405888-G-C. GRCh37 (hg19) VCF-style: chr3-52439904-G-C.
Other names: c.808C>G (NM_004656.2); short protein forms L270V.
Identifiers: ClinVar variation 927081 (VCV000927081.11), dbSNP rs1705141434, ClinGen allele CA353106905.

ClinVar aggregate classification (germline): Uncertain significance. Review status: criteria provided, multiple submitters, no conflicts (2 of 4 stars). 3 submissions from 3 submitters: Uncertain significance (3). Last evaluated 2024-03-06.

Conditions:
BAP1-related tumor predisposition syndrome (TPDS1). Also called: Tumor susceptibility linked to germline BAP1 mutations; COMMON Syndrome; TUMOR PREDISPOSITION SYNDROME 1; BAP1 tumor predisposition syndrome. Identifiers: Orphanet 289539, MedGen C3280492, MONDO:0013692, OMIM 614327.
Hereditary cancer-predisposing syndrome. Also called: Neoplastic Syndromes, Hereditary; Tumor predisposition; Hereditary Cancer Syndrome; Hereditary neoplastic syndrome. Identifiers: Orphanet 140162, MedGen C0027672, MeSH D009386, MONDO:0015356.

Allele frequency attached by ClinVar (database versions not stated): gnomAD exomes below 0.00001.

Submissions (3):

Color Diagnostics, LLC DBA Color Health
Classification: Uncertain significance for Hereditary cancer-predisposing syndrome. Last evaluated: 2024-03-06. Review status: criteria provided, single submitter. Criteria: ACMG Guidelines, 2015. Collection method: clinical testing. Allele origin: germline.
Comment: This missense variant replaces leucine with valine at codon 270 of the BAP1 protein. Computational prediction tool suggests that this variant may not impact protein structure and function (internally defined REVEL score threshold <=0.5, PMID: 27666373). Splice site prediction tools suggest that this variant may not impact RNA splicing. To our knowledge, functional studies have not been performed for this variant. This variant has not been reported in individuals affected with hereditary cancer in the literature. This variant has not been identified in the general population by the Genome Aggregation Database (gnomAD). The available evidence is insufficient to determine the role of this variant in disease conclusively. Therefore, this variant is classified as a Variant of Uncertain Significance.

Ambry Genetics
Classification: Uncertain significance for Hereditary cancer-predisposing syndrome. Last evaluated: 2023-09-13. Review status: criteria provided, single submitter. Criteria: Ambry Variant Classification Scheme 2023. Collection method: clinical testing. Allele origin: germline.
Comment: The p.L270V variant (also known as c.808C>G), located in coding exon 10 of the BAP1 gene, results from a C to G substitution at nucleotide position 808. The leucine at codon 270 is replaced by valine, an amino acid with highly similar properties. This amino acid position is conserved. In addition, this alteration is predicted to be tolerated by in silico analysis. Since supporting evidence is limited at this time, the clinical significance of this alteration remains unclear.

Labcorp Genetics (formerly Invitae), Labcorp
Classification: Uncertain significance for BAP1-related tumor predisposition syndrome. Last evaluated: 2022-02-24. Review status: criteria provided, single submitter. Criteria: Invitae Variant Classification Sherloc (09022015). Collection method: clinical testing. Allele origin: germline.
Comment: In summary, the available evidence is currently insufficient to determine the role of this variant in disease. Therefore, it has been classified as a Variant of Uncertain Significance. Algorithms developed to predict the effect of missense changes on protein structure and function are either unavailable or do not agree on the potential impact of this missense change (SIFT: "Deleterious"; PolyPhen-2: "Benign"; Align-GVGD: "Class C0"). ClinVar contains an entry for this variant (Variation ID: 927081). This variant has not been reported in the literature in individuals affected with BAP1-related conditions. This variant is not present in population databases (gnomAD no frequency). This sequence change replaces leucine, which is neutral and non-polar, with valine, which is neutral and non-polar, at codon 270 of the BAP1 protein (p.Leu270Val).